The following is an entry in ClinVar:

NM_000321.3(RB1):c.1961-17_1965del

Gene: RB1 (RB transcriptional corepressor 1; plus strand). Cytogenetic location: 13q14.2.
Variant type: Deletion.
Coding change: c.1961-17_1965del on transcript NM_000321.3 (MANE Select); 17 bases into the intron before coding-DNA position 1961 through coding-DNA position 1965, 22 bases deleted (TTTTCTTATTCCCACAGTGTAT).
Molecular consequence: splice acceptor variant.
Genome position (GRCh38, 1-based): chr13:48,459,671-48,459,692, TTTTCTTATTCCCACAGTGTAT deleted; deleting any 22 consecutive bases within chr13:48,459,669-48,459,692 gives the same sequence; the c. name uses the placement nearest the transcript's 3' end. VCF-style (leftmost placement, unchanged base first): chr13-48459668-AATTTTTCTTATTCCCACAGTGT-A. GRCh37 (hg19) VCF-style: chr13-49033804-AATTTTTCTTATTCCCACAGTGT-A.
Other names: c.1961-17_1965del (NM_001407165.1).
Identifiers: ClinVar variation 2763899 (VCV002763899.3), dbSNP rs2542367775, ClinGen allele CA2697551906.
Genomic context (GRCh38, chr13:48,459,668, plus strand): 5'-AGCGATTTCATGATTTGAAAAAAATCTACTTGTAATTCAAAATGAACAGTAAAAATGACT[AATTTTTCTTATTCCCACAGTGT>A]ATCGGCTAGCCTATCTCCGGCTAAATACACTTTGTGAACGCCTTCTGTCTGAGCACCCAG-3'

ClinVar aggregate classification (germline): Pathogenic (1 of 4 stars; one submission).

Conditions:
Retinoblastoma (RB1). Also called: RETINOBLASTOMA, SOMATIC. Identifiers: Orphanet 790, MedGen C0035335, MeSH D012175, MONDO:0008380, OMIM 180200, HP:0009919. Disease mechanism: loss of function. Inheritance: Both sporadic and heritable forms are tested..

Submission:

Labcorp Genetics (formerly Invitae), Labcorp
Classification: Pathogenic for Retinoblastoma. Last evaluated: 2023-12-08. Review status: criteria provided, single submitter. Criteria: Invitae Variant Classification Sherloc (09022015). Collection method: clinical testing. Allele origin: germline.
Comment: This variant results in the deletion of part of exon 20 of the RB1 gene. It is expected to disrupt RNA splicing. Variants that disrupt the donor or acceptor splice site typically lead to a loss of protein function (PMID: 16199547), and loss-of-function variants in RB1 are known to be pathogenic (PMID: 17096365). This variant is not present in population databases (gnomAD no frequency). This variant has been observed in individual(s) with retinoblastoma (Invitae). For these reasons, this variant has been classified as Pathogenic.

Literature cited by the submitters: PubMed 16199547; PubMed 17096365.